The following is an entry in ClinVar:

NM_174936.4(PCSK9):c.1851C>T (p.Ala617=)

Gene: PCSK9 (proprotein convertase subtilisin/kexin type 9; plus strand). Cytogenetic location: 1p32.3.
Variant type: single nucleotide variant.
Coding change: c.1851C>T on transcript NM_174936.4 (MANE Select); coding-DNA position 1851, C replaced by T.
Protein change: p.Ala617=; no amino-acid change (alanine 617 retained).
Molecular consequence: synonymous variant. On other transcripts: non-coding transcript variant (8).
Genome position (GRCh38, 1-based): chr1:55,061,544, C>T. VCF-style: chr1-55061544-C-T. GRCh37 (hg19) VCF-style: chr1-55527217-C-T.
Other names: c.1974C>T, p.Ala658= (NM_001407240.1); c.1893C>T, p.Ala631= (NM_001407241.1); c.1854C>T, p.Ala618= (NM_001407242.1); c.1794C>T, p.Ala598= (NM_001407243.1); c.1677C>T, p.Ala559= (NM_001407244.1); c.1659C>T, p.Ala553= (NM_001407245.1); c.1476C>T, p.Ala492= (NM_001407246.1); c.1350C>T, p.Ala450= (NM_001407247.1).
Identifiers: ClinVar variation 536204 (VCV000536204.30), dbSNP rs140364657, ClinGen allele CA039126.

ClinVar aggregate classification (germline): Benign/Likely benign. Review status: criteria provided, multiple submitters, no conflicts (2 of 4 stars). 10 submissions from 10 submitters: Benign (6); Likely benign (4). Last evaluated 2026-01-26.

Conditions:
Familial hypercholesterolemia. Also called: Familial hypercholesterolemias; Familial hypercholesterolaemia. Identifiers: MedGen C0020445, MONDO:0005439.
Cardiovascular phenotype. Identifiers: MedGen CN230736.
Hypercholesterolemia, autosomal dominant, 3 (FHCL3). Also called: Familial Hypercholesterolemia, Autosomal Dominant, 3; Familial hypercholesterolemia 3; PCSK9-Related Familial Hypercholesterolemia, Autosomal Dominant. Identifiers: MedGen C1863551, MONDO:0011369, OMIM 603776.

Allele frequency attached by ClinVar (database versions not stated): gnomAD exomes 0.00008 and 0.00016; ExAC 0.00027; gnomAD 0.00069 and 0.00076; 1000 Genomes Project 30x 0.00078; 1000 Genomes Project 0.00080; ESP Exome Variant Server 0.00085; TOPMed 0.00086.
gnomAD v4.1: 234 of 1,597,418 alleles (0.015%); highest among the groups gnomAD compares: African/African-American, 0.27%; no homozygotes.

Submissions (10):

Labcorp Genetics (formerly Invitae), Labcorp
Classification: Benign for Hypercholesterolemia, autosomal dominant, 3. Last evaluated: 2026-01-26. Review status: criteria provided, single submitter. Criteria: Invitae Variant Classification Sherloc (09022015). Collection method: clinical testing. Allele origin: germline.

Molecular Diagnostic Laboratory for Inherited Cardiovascular Disease, Montreal Heart Institute
Classification: Likely benign. Last evaluated: 2025-04-09. Review status: criteria provided, single submitter. Criteria: ACMG Guidelines, 2015. Collection method: clinical testing. Allele origin: germline. Affected: no.

ARUP Laboratories, Molecular Genetics and Genomics, ARUP Laboratories
Classification: Benign. Last evaluated: 2024-11-19. Review status: criteria provided, single submitter. Criteria: ARUP Molecular Germline Variant Investigation Process 2024. Collection method: clinical testing. Allele origin: germline.

All of Us Research Program, National Institutes of Health
Classification: Benign for Hypercholesterolemia, autosomal dominant, 3. Last evaluated: 2024-02-05. Review status: criteria provided, single submitter. Criteria: ACMG Guidelines, 2015. Collection method: clinical testing. Allele origin: germline. Inheritance: Autosomal dominant inheritance. Observed: 38 variant alleles, 38 heterozygotes.
Comment: This study involves interpretation of variants in research participants for the purpose of population health screening. Participant phenotype was not available at the time of variant classification. Additional details can be found in publication PMID: 35346344, PMCID: PMC8962531

Quest Diagnostics Nichols Institute San Juan Capistrano
Classification: Benign. Last evaluated: 2023-03-21. Review status: criteria provided, single submitter. Criteria: Quest Diagnostics criteria. Collection method: clinical testing. Allele origin: unknown.

Women's Health and Genetics/Laboratory Corporation of America, LabCorp
Classification: Benign. Last evaluated: 2023-01-09. Review status: criteria provided, single submitter. Criteria: LabCorp Variant Classification Summary - May 2015. Collection method: clinical testing. Allele origin: germline.

GeneDx
Classification: Likely benign. Last evaluated: 2019-10-02. Review status: criteria provided, single submitter. Criteria: GeneDx Variant Classification Process June 2021. Collection method: clinical testing. Allele origin: germline. Affected: yes.

Color Diagnostics, LLC DBA Color Health
Classification: Benign for Familial hypercholesterolemias. Last evaluated: 2018-09-29. Review status: criteria provided, single submitter. Criteria: ACMG Guidelines, 2015. Collection method: clinical testing. Allele origin: germline.

Ambry Genetics
Classification: Likely benign for Cardiovascular phenotype. Last evaluated: 2018-02-26. Review status: criteria provided, single submitter. Criteria: Ambry Variant Classification Scheme 2023. Collection method: clinical testing. Allele origin: germline.

Breakthrough Genomics
Classification: Likely benign. Review status: criteria provided, single submitter. Criteria: ACMG Guidelines, 2015. Collection method: not provided. Allele origin: germline. Inheritance: Autosomal dominant inheritance. Affected: yes.

Literature cited by the submitters: PubMed 25904937 (cited by Quest Diagnostics Nichols Institute San Juan Capistrano and Ambry Genetics).